The following is an entry in ClinVar:

NM_000543.5(SMPD1):c.766_767del (p.Leu256fs)

Gene: SMPD1 (sphingomyelin phosphodiesterase 1; plus strand). Cytogenetic location: 11p15.4.
Variant type: Deletion.
Coding change: c.766_767del on transcript NM_000543.5 (MANE Select); coding-DNA positions 766 to 767, 2 bases deleted (CT; older notation c.766_767delCT).
Protein change: p.Leu256fs; shifts the reading frame from leucine 256.
Molecular consequence: frameshift variant. On other transcripts: 5 prime UTR variant (1), non-coding transcript variant (1).
Genome position (GRCh38, 1-based): chr11:6,391,831-6,391,832, CT deleted. VCF-style (leftmost placement, unchanged base first): chr11-6391830-CCT-C. GRCh37 (hg19) VCF-style: chr11-6413060-CCT-C.
Other names: c.763_764del, p.Leu255fs (NM_001007593.3); c.766_767del, p.Leu256fs (NM_001318087.2, NM_001365135.2); c.-196_-195del (NM_001318088.2); short protein forms L255fs, L256fs.
Identifiers: ClinVar variation 2942316 (VCV002942316.3), dbSNP rs2493806489, ClinGen allele CA2740093602.

ClinVar aggregate classification (germline): Pathogenic (1 of 4 stars; one submission).

Conditions:
Niemann-Pick disease, type A. Also called: SPHINGOMYELIN LIPIDOSIS; SPHINGOMYELINASE DEFICIENCY; Infantile Neurovisceral ASMD (Niemann-Pick Disease Type A; NPD-A). Identifiers: Orphanet 77292, MedGen C0268242, MONDO:0009756, OMIM 257200. Disease mechanism: loss of function.
Niemann-Pick disease, type B. Also called: Chronic Visceral ASMD (Niemann-Pick Disease Type B; NPD-B). Identifiers: Orphanet 77293, MedGen C0268243, MONDO:0011871, OMIM 607616. Disease mechanism: loss of function.

Submission:

Labcorp Genetics (formerly Invitae), Labcorp
Classification: Pathogenic for Niemann-Pick disease, type B; Niemann-Pick disease, type A. Last evaluated: 2022-12-14. Review status: criteria provided, single submitter. Criteria: Invitae Variant Classification Sherloc (09022015). Collection method: clinical testing. Allele origin: germline.
Comment: This sequence change creates a premature translational stop signal (p.Leu256Glufs*17) in the SMPD1 gene. It is expected to result in an absent or disrupted protein product. Loss-of-function variants in SMPD1 are known to be pathogenic (PMID: 12369017, 15221801). This variant is not present in population databases (gnomAD no frequency). This variant has not been reported in the literature in individuals affected with SMPD1-related conditions. For these reasons, this variant has been classified as Pathogenic.

Literature cited by the submitters: PubMed 12369017; PubMed 15221801.